The following is an entry in ClinVar:

NM_000492.4(CFTR):c.600C>T (p.Phe200=)

Gene: CFTR (CF transmembrane conductance regulator; plus strand). Cytogenetic location: 7q31.2.
Variant type: single nucleotide variant.
Coding change: c.600C>T on transcript NM_000492.4 (MANE Select); coding-DNA position 600, C replaced by T.
Protein change: p.Phe200=; no amino-acid change (phenylalanine 200 retained).
Molecular consequence: synonymous variant.
Genome position (GRCh38, 1-based): chr7:117,535,268, C>T. VCF-style: chr7-117535268-C-T. GRCh37 (hg19) VCF-style: chr7-117175322-C-T.
Other names: c.600C>T (NM_000492.3).
Identifiers: ClinVar variation 1160427 (VCV001160427.12), dbSNP rs753492211, ClinGen allele CA164945470.
Genomic context (GRCh38, chr7:117,535,268, plus strand): 5'-ATACAATGACACCTGTTTTTGCTGTGCTTTTATTTTCCAGGGACTTGCATTGGCACATTT[C>T]GTGTGGATCGCTCCTTTGCAAGTGGCACTCCTCATGGGGCTAATCTGGGAGTTGTTACAG-3'
Protein context (NP_000483.3, residues 190-210): KFDEGLALAH[Phe200=]VWIAPLQVAL

ClinVar aggregate classification (germline): Conflicting classifications of pathogenicity. Review status: criteria provided, conflicting classifications (1 of 4 stars). 3 submissions from 3 submitters: Uncertain significance (1); Likely benign (1). 1 of the submissions does not count toward it. Last evaluated 2025-09-12.

Conditions:
Cystic fibrosis (CF). Also called: MUCOVISCIDOSIS. Identifiers: Orphanet 586, MedGen C0010674, MONDO:0009061, OMIM 219700. Disease mechanism: loss of function.
CFTR-related disorder (CFTR-RD). Also called: CFTR-related condition; CFTR-related disorders. Identifiers: MedGen C5924204, MONDO:7770004.

Allele frequency attached by ClinVar (database versions not stated): TOPMed below 0.00001.
gnomAD v4.1: 6 of 1,613,958 alleles (0.00037%); highest among the groups gnomAD compares: South Asian, 0.0022%; no homozygotes.

Submissions (3):

Ambry Genetics
Classification: Uncertain significance for Cystic fibrosis. Last evaluated: 2025-09-12. Review status: criteria provided, single submitter. Criteria: Ambry Variant Classification Scheme 2023. Collection method: clinical testing. Allele origin: germline.
Comment: The c.600C>T variant (also known as p.F200F), located in coding exon 6 of the CFTR gene, results from a C to T substitution at nucleotide position 600. This nucleotide substitution does not change the amino acid at codon 200. This nucleotide position is poorly conserved in available vertebrate species. In silico splice site analysis for this alteration is inconclusive. Based on the available evidence, the clinical significance of this variant remains unclear.

Labcorp Genetics (formerly Invitae), Labcorp
Classification: Likely benign for Cystic fibrosis. Last evaluated: 2024-01-16. Review status: criteria provided, single submitter. Criteria: Invitae Variant Classification Sherloc (09022015). Collection method: clinical testing. Allele origin: germline.

PreventionGenetics, part of Exact Sciences
Classification: Likely benign for CFTR-related condition. Last evaluated: 2021-07-27. Review status: no assertion criteria provided. Collection method: clinical testing. Allele origin: germline. Not counted in ClinVar's aggregate classification.
Comment: This variant is classified as likely benign based on ACMG/AMP sequence variant interpretation guidelines (Richards et al. 2015 PMID: 25741868, with internal and published modifications).